The following is an entry in ClinVar:

NM_138370.3(PKDCC):c.553C>G (p.Arg185Gly)

Genes: PKDCC (protein kinase domain containing, cytoplasmic; plus strand), LOC129933566 (ATAC-STARR-seq lymphoblastoid active region 15635; plus strand). Cytogenetic location: 2p21.
Variant type: single nucleotide variant.
Coding change: c.553C>G on transcript NM_138370.3 (MANE Select); coding-DNA position 553, C replaced by G.
Protein change: p.Arg185Gly; replaces arginine 185 with glycine.
Molecular consequence: missense variant.
Genome position (GRCh38, 1-based): chr2:42,048,752, C>G. VCF-style: chr2-42048752-C-G. GRCh37 (hg19) VCF-style: chr2-42275892-C-G.
Other names: short protein forms R185G.
Identifiers: ClinVar variation 1484742 (VCV001484742.6), dbSNP rs531061920, ClinGen allele CA1627920.
Genomic context (GRCh38, chr2:42,048,752, plus strand): 5'-CTCAAGGCGGTGGACTTTAGCGGCCACGATCTGGGCAGCTGCGTGCGCGAGTTCGGGGTA[C>G]GGAGGGGCTGCTATCGGCTGGCGGCCCACAAGCTGCTTAAGGAGATGGTGCTGCTGGAGC-3'
Protein context (NP_612379.2, residues 175-195): LGSCVREFGV[Arg185Gly]RGCYRLAAHK

ClinVar aggregate classification (germline): Uncertain significance (1 of 4 stars; one submission).

Allele frequency attached by ClinVar (database versions not stated): gnomAD 0.00001; gnomAD exomes 0.00004; ExAC 0.00012; 1000 Genomes Project 30x 0.00016; 1000 Genomes Project 0.00020.
gnomAD v4.1: 46 of 1,581,262 alleles (0.0029%); highest among the groups gnomAD compares: South Asian, 0.038%; no homozygotes.

Submission:

Labcorp Genetics (formerly Invitae), Labcorp
Classification: Uncertain significance. Last evaluated: 2024-02-12. Review status: criteria provided, single submitter. Criteria: Invitae Variant Classification Sherloc (09022015). Collection method: clinical testing. Allele origin: germline.
Comment: This sequence change replaces arginine, which is basic and polar, with glycine, which is neutral and non-polar, at codon 185 of the PKDCC protein (p.Arg185Gly). This variant is present in population databases (rs531061920, gnomAD 0.02%). This variant has not been reported in the literature in individuals affected with PKDCC-related conditions. ClinVar contains an entry for this variant (Variation ID: 1484742). An algorithm developed to predict the effect of missense changes on protein structure and function (PolyPhen-2) suggests that this variant is likely to be tolerated. In summary, the available evidence is currently insufficient to determine the role of this variant in disease. Therefore, it has been classified as a Variant of Uncertain Significance.